The following is an entry in ClinVar:

NM_024741.3(ZNF408):c.1363C>T (p.His455Tyr)

Gene: ZNF408 (zinc finger protein 408; plus strand). Cytogenetic location: 11p11.2.
Variant type: single nucleotide variant.
Coding change: c.1363C>T on transcript NM_024741.3 (MANE Select); coding-DNA position 1363, C replaced by T.
Protein change: p.His455Tyr; replaces histidine 455 with tyrosine.
Molecular consequence: missense variant.
Genome position (GRCh38, 1-based): chr11:46,705,063, C>T. VCF-style: chr11-46705063-C-T. GRCh37 (hg19) VCF-style: chr11-46726613-C-T.
Other names: c.1339C>T, p.His447Tyr (NM_001184751.2); short protein forms H455Y, H447Y.
Identifiers: ClinVar variation 204314 (VCV000204314.35), dbSNP rs373273223, ClinGen allele CA204005.

ClinVar aggregate classification (germline): Pathogenic/Likely pathogenic. Review status: criteria provided, multiple submitters, no conflicts (2 of 4 stars). 6 submissions from 6 submitters: Pathogenic (3); Likely pathogenic (2). 1 of the submissions does not count toward it. Last evaluated 2025-09-02.

Conditions:
ZNF408-related disorder. Also called: ZNF408-related condition.
Exudative vitreoretinopathy 6 (EVR6). Identifiers: Orphanet 891, MedGen C4225316, MONDO:0014652, OMIM 616468.
Retinal dystrophy. Also called: Inherited retinal dystrophy. Identifiers: Orphanet 71862, MedGen C0854723, MeSH D058499, MONDO:0019118, HP:0000556.

Allele frequency attached by ClinVar (database versions not stated): gnomAD exomes 0.00001 and 0.00003; ExAC 0.00002; TOPMed 0.00002; gnomAD 0.00003; ESP Exome Variant Server 0.00008.

Submissions (6):

Labcorp Genetics (formerly Invitae), Labcorp
Classification: Pathogenic. Last evaluated: 2025-09-02. Review status: criteria provided, single submitter. Criteria: Invitae Variant Classification Sherloc (09022015). Collection method: clinical testing. Allele origin: germline.
Comment: This sequence change replaces histidine, which is basic and polar, with tyrosine, which is neutral and polar, at codon 455 of the ZNF408 protein (p.His455Tyr). This variant is present in population databases (rs373273223, gnomAD 0.003%). This missense change has been observed in individual(s) with autosomal dominant familial exudative vitreoretinopathy (PMID: 23716654). It has also been observed to segregate with disease in related individuals. ClinVar contains an entry for this variant (Variation ID: 204314). An algorithm developed to predict the effect of missense changes on protein structure and function (PolyPhen-2) suggests that this variant is likely to be disruptive. Experimental studies have shown that this missense change affects ZNF408 function (PMID: 23716654, 29982478). For these reasons, this variant has been classified as Pathogenic.

GeneDx
Classification: Pathogenic. Last evaluated: 2025-02-24. Review status: criteria provided, single submitter. Criteria: GeneDx Variant Classification Process June 2021. Collection method: clinical testing. Allele origin: germline. Affected: yes.
Comment: Observed with a nonsense variant in ZNF408 in a patient with retinitis pigmentosa, but it is not known whether the variants occured on the same (in cis) or on different (in trans) chromosomes (PMID: 28559085); Published functional studies demonstrate a damaging effect (PMID: 23716654, 32097476); In silico analysis supports that this missense variant has a deleterious effect on protein structure/function; This variant is associated with the following publications: (PMID: 32349249, 29018668, 30998249, 6897033, 37947657, 29982478, 32097476, 23716654, 25882705, 28559085)

Blueprint Genetics
Classification: Likely pathogenic for ZNF408-related disorders. Last evaluated: 2024-09-03. Review status: criteria provided, single submitter. Criteria: ACMG Guidelines, 2015. Collection method: clinical testing. Allele origin: germline. Affected: yes. Observed: 3 variant alleles.

CeGaT Center for Human Genetics Tuebingen
Classification: Likely pathogenic. Last evaluated: 2022-08-01. Review status: criteria provided, single submitter. Criteria: CeGaT Center For Human Genetics Tuebingen Variant Classification Criteria Version 2. Collection method: clinical testing. Allele origin: germline. Affected: yes. Observed: 2 variant alleles.

Institute of Human Genetics, Univ. Regensburg, Univ. Regensburg
Classification: Pathogenic for Retinal dystrophy. Last evaluated: 2019-01-01. Review status: criteria provided, single submitter. Criteria: ACMG Guidelines, 2015. Collection method: clinical testing. Allele origin: germline. Affected: yes.

OMIM
Classification: Pathogenic for EXUDATIVE VITREORETINOPATHY 6 (1 family). Last evaluated: 2013-06-11. Review status: no assertion criteria provided. Collection method: literature only. Allele origin: germline. Not counted in ClinVar's aggregate classification.

Literature cited by the submitters: PubMed 23716654 (cited by 3 submitters); PubMed 29982478 (cited by 3 submitters); PubMed 28559085 (cited by Institute of Human Genetics, Univ. Regensburg, Univ. Regensburg); PubMed 6897033 (cited by OMIM).